The following is an entry in ClinVar:

NM_006947.4(SRP72):c.1091T>G (p.Phe364Cys)

Gene: SRP72 (signal recognition particle 72; plus strand). Cytogenetic location: 4q12.
Variant type: single nucleotide variant.
Coding change: c.1091T>G on transcript NM_006947.4 (MANE Select); coding-DNA position 1091, T replaced by G.
Protein change: p.Phe364Cys; replaces phenylalanine 364 with cysteine.
Molecular consequence: missense variant. On other transcripts: non-coding transcript variant (1).
Genome position (GRCh38, 1-based): chr4:56,486,329, T>G. VCF-style: chr4-56486329-T-G. GRCh37 (hg19) VCF-style: chr4-57352495-T-G.
Other names: c.908T>G, p.Phe303Cys (NM_001267722.2); c.1091T>G (NM_006947.3); short protein forms F364C, F303C.
Identifiers: ClinVar variation 2707874 (VCV002707874.5), dbSNP rs2545763203, ClinGen allele CA357000180.
Genomic context (GRCh38, chr4:56,486,329, plus strand): 5'-ACAATTAGTTGTGTAAATTAAATGTGATTTTTTTCCCCCAAACTAAAAAAATTTAGGAAT[T>G]TTCAGATCAGCATCCAGAAAATGCAGCTGAAATTAAGCTGACCATGGCACAGTTGAAAAT-3'
Protein context (NP_008878.3, residues 354-374): HTKAIELLQE[Phe364Cys]SDQHPENAAE

ClinVar aggregate classification (germline): Uncertain significance. Review status: criteria provided, multiple submitters, no conflicts (2 of 4 stars). 3 submissions from 3 submitters: Uncertain significance (3). Last evaluated 2025-12-11.

Submissions (3):

Ambry Genetics
Classification: Uncertain significance. Last evaluated: 2025-12-11. Review status: criteria provided, single submitter. Criteria: Ambry Variant Classification Scheme 2023. Collection method: clinical testing. Allele origin: germline.
Comment: The p.F364C variant (also known as c.1091T>G), located in coding exon 11 of the SRP72 gene, results from a T to G substitution at nucleotide position 1091. The phenylalanine at codon 364 is replaced by cysteine, an amino acid with highly dissimilar properties. This amino acid position is conserved. In addition, the in silico prediction for this alteration is inconclusive. Based on the available evidence, the clinical significance of this variant remains unclear.

GeneDx
Classification: Uncertain significance. Last evaluated: 2024-06-10. Review status: criteria provided, single submitter. Criteria: GeneDx Variant Classification Process June 2021. Collection method: clinical testing. Allele origin: germline. Affected: yes.
Comment: Not observed at significant frequency in large population cohorts (gnomAD); In silico analysis supports that this missense variant has a deleterious effect on protein structure/function; Has not been previously published as pathogenic or benign to our knowledge

Labcorp Genetics (formerly Invitae), Labcorp
Classification: Uncertain significance. Last evaluated: 2024-01-06. Review status: criteria provided, single submitter. Criteria: Invitae Variant Classification Sherloc (09022015). Collection method: clinical testing. Allele origin: germline.
Comment: This sequence change replaces phenylalanine, which is neutral and non-polar, with cysteine, which is neutral and slightly polar, at codon 364 of the SRP72 protein (p.Phe364Cys). This variant is not present in population databases (gnomAD no frequency). This variant has not been reported in the literature in individuals affected with SRP72-related conditions. Advanced modeling of protein sequence and biophysical properties (such as structural, functional, and spatial information, amino acid conservation, physicochemical variation, residue mobility, and thermodynamic stability) performed at Invitae indicates that this missense variant is not expected to disrupt SRP72 protein function with a negative predictive value of 80%. In summary, the available evidence is currently insufficient to determine the role of this variant in disease. Therefore, it has been classified as a Variant of Uncertain Significance.